The following is an entry in ClinVar:

NM_020975.6(RET):c.3126C>G (p.Asp1042Glu)

Gene: RET (ret proto-oncogene; plus strand). Cytogenetic location: 10q11.21.
Variant type: single nucleotide variant.
Coding change: c.3126C>G on transcript NM_020975.6 (MANE Select); coding-DNA position 3126, C replaced by G.
Protein change: p.Asp1042Glu; replaces aspartic acid 1042 with glutamic acid.
Molecular consequence: missense variant.
Genome position (GRCh38, 1-based): chr10:43,126,661, C>G. VCF-style: chr10-43126661-C-G. GRCh37 (hg19) VCF-style: chr10-43622109-C-G.
Other names: c.3126C>G, p.Asp1042Glu (NM_000323.2, NM_001406760.1, NM_001406743.1 and 4 more transcripts); c.2997C>G, p.Asp999Glu (NM_001406761.1, NM_001406762.1, NM_001406764.1); c.2364C>G, p.Asp788Glu (NM_001355216.2); c.2688C>G, p.Asp896Glu (NM_001406771.1, NM_001406773.1); c.2730C>G, p.Asp910Glu (NM_001406772.1, NM_001406769.1); c.2601C>G, p.Asp867Glu (NM_001406774.1); c.2400C>G, p.Asp800Glu (NM_001406775.1, NM_001406776.1, NM_001406777.1 and 1 more transcripts); c.2229C>G, p.Asp743Glu (NM_001406779.1, NM_001406780.1, NM_001406781.1 and 1 more transcripts); and 10 more; short protein forms D1042E, D788E, D607E, D712E, D896E, D999E, D647E, D700E.
Identifiers: ClinVar variation 477366 (VCV000477366.15), dbSNP rs1554820168, ClinGen allele CA376558445.

ClinVar aggregate classification (germline): Uncertain significance. Review status: criteria provided, multiple submitters, no conflicts (2 of 4 stars). 3 submissions from 3 submitters: Uncertain significance (3). Last evaluated 2025-03-17.

Conditions:
Hereditary cancer-predisposing syndrome. Also called: Neoplastic Syndromes, Hereditary; Hereditary Cancer Syndrome; Hereditary neoplastic syndrome; Tumor predisposition. Identifiers: Orphanet 140162, MedGen C0027672, MeSH D009386, MONDO:0015356.
Multiple endocrine neoplasia, type 2 (MEN2). Identifiers: Orphanet 653, MedGen C4048306, MONDO:0019003. Disease mechanism: gain of function.

Submissions (3):

Labcorp Genetics (formerly Invitae), Labcorp
Classification: Uncertain significance for Multiple endocrine neoplasia, type 2. Last evaluated: 2025-03-17. Review status: criteria provided, single submitter. Criteria: Invitae Variant Classification Sherloc (09022015). Collection method: clinical testing. Allele origin: germline.
Comment: This sequence change replaces aspartic acid, which is acidic and polar, with glutamic acid, which is acidic and polar, at codon 1042 of the RET protein (p.Asp1042Glu). This variant is not present in population databases (gnomAD no frequency). This variant has not been reported in the literature in individuals affected with RET-related conditions. ClinVar contains an entry for this variant (Variation ID: 477366). An algorithm developed to predict the effect of missense changes on protein structure and function (PolyPhen-2) suggests that this variant is likely to be tolerated. In summary, the available evidence is currently insufficient to determine the role of this variant in disease. Therefore, it has been classified as a Variant of Uncertain Significance.

Center for Genomic Medicine, Rigshospitalet, Copenhagen University Hospital
Classification: Uncertain significance. Last evaluated: 2025-03-04. Review status: criteria provided, single submitter. Criteria: ACMG Guidelines, 2015. Collection method: clinical testing. Allele origin: germline.

Ambry Genetics
Classification: Uncertain significance for Hereditary cancer-predisposing syndrome. Last evaluated: 2025-02-02. Review status: criteria provided, single submitter. Criteria: Ambry Variant Classification Scheme 2023. Collection method: clinical testing. Allele origin: germline.
Comment: The p.D1042E variant (also known as c.3126C>G), located in coding exon 19 of the RET gene, results from a C to G substitution at nucleotide position 3126. The aspartic acid at codon 1042 is replaced by glutamic acid, an amino acid with highly similar properties. This amino acid position is conserved. In addition, this alteration is predicted to be tolerated by in silico analysis. Since supporting evidence is limited at this time, the clinical significance of this alteration remains unclear.